The following is an entry in ClinVar:

NM_018960.6(GNMT):c.430G>A (p.Ala144Thr)

Genes: GNMT (glycine N-methyltransferase; plus strand), CNPY3-GNMT (CNPY3-GNMT readthrough; plus strand). Cytogenetic location: 6p21.1.
Variant type: single nucleotide variant.
Coding change: c.430G>A on transcript NM_018960.6 (MANE Select); coding-DNA position 430, G replaced by A.
Protein change: p.Ala144Thr; replaces alanine 144 with threonine.
Molecular consequence: missense variant. On other transcripts: non-coding transcript variant (4).
Genome position (GRCh38, 1-based): chr6:42,962,857, G>A. VCF-style: chr6-42962857-G-A. GRCh37 (hg19) VCF-style: chr6-42930595-G-A.
Other names: c.232G>A, p.Ala78Thr (NM_001318856.2); c.247G>A, p.Ala83Thr (NM_001318857.2, NM_001318858.2); c.430G>A, p.Ala144Thr (NM_001318865.2); short protein forms A144T, A78T, A83T.
Identifiers: ClinVar variation 863152 (VCV000863152.8), dbSNP rs776654469, ClinGen allele CA3810677.

ClinVar aggregate classification (germline): Uncertain significance (1 of 4 stars; one submission).

Allele frequency attached by ClinVar (database versions not stated): ExAC 0.00001; gnomAD 0.00001; gnomAD exomes 0.00001 and 0.00002; TOPMed 0.00001.

Submission:

Labcorp Genetics (formerly Invitae), Labcorp
Classification: Uncertain significance. Last evaluated: 2019-02-20. Review status: criteria provided, single submitter. Criteria: Invitae Variant Classification Sherloc (09022015). Collection method: clinical testing. Allele origin: germline.
Comment: Algorithms developed to predict the effect of missense changes on protein structure and function are either unavailable or do not agree on the potential impact of this missense change (SIFT: "Deleterious"; PolyPhen-2: "Possibly Damaging"; Align-GVGD: "Class C0"). In summary, the available evidence is currently insufficient to determine the role of this variant in disease. Therefore, it has been classified as a Variant of Uncertain Significance. This sequence change replaces alanine with threonine at codon 144 of the GNMT protein (p.Ala144Thr). The alanine residue is highly conserved and there is a small physicochemical difference between alanine and threonine. This variant is present in population databases (rs776654469, ExAC 0.01%). This variant has not been reported in the literature in individuals with GNMT-related conditions.